The following is an entry in ClinVar:

NM_020937.4(FANCM):c.3142A>C (p.Asn1048His)

Gene: FANCM (FA complementation group M; plus strand). Cytogenetic location: 14q21.2.
Variant type: single nucleotide variant.
Coding change: c.3142A>C on transcript NM_020937.4 (MANE Select); coding-DNA position 3142, A replaced by C.
Protein change: p.Asn1048His; replaces asparagine 1048 with histidine.
Molecular consequence: missense variant.
Genome position (GRCh38, 1-based): chr14:45,175,896, A>C. VCF-style: chr14-45175896-A-C. GRCh37 (hg19) VCF-style: chr14-45645099-A-C.
Other names: c.3064A>C, p.Asn1022His (NM_001308133.2); short protein forms N1022H, N1048H.
Identifiers: ClinVar variation 4022845 (VCV004022845.1).

ClinVar aggregate classification (germline): Uncertain significance (1 of 4 stars; one submission).

Conditions:
Inborn genetic diseases. Identifiers: MedGen C0950123, MeSH D030342.

Submission:

Ambry Genetics
Classification: Uncertain significance for Inborn genetic diseases. Last evaluated: 2025-06-02. Review status: criteria provided, single submitter. Criteria: Ambry Variant Classification Scheme 2023. Collection method: clinical testing. Allele origin: germline.
Comment: The p.N1048H variant (also known as c.3142A>C), located in coding exon 14 of the FANCM gene, results from an A to C substitution at nucleotide position 3142. The asparagine at codon 1048 is replaced by histidine, an amino acid with similar properties. This amino acid position is conserved. In addition, this alteration is predicted to be tolerated by in silico analysis. Based on the available evidence, the clinical significance of this variant remains unclear.